The following is an entry in ClinVar:

NM_018149.7(SMG8):c.2022G>A (p.Ser674=)

Gene: SMG8 (SMG8 nonsense mediated mRNA decay factor; plus strand). Cytogenetic location: 17q22.
Variant type: single nucleotide variant.
Coding change: c.2022G>A on transcript NM_018149.7 (MANE Select); coding-DNA position 2022, G replaced by A.
Protein change: p.Ser674=; no amino-acid change (serine 674 retained).
Molecular consequence: synonymous variant.
Genome position (GRCh38, 1-based): chr17:59,212,845, G>A. VCF-style: chr17-59212845-G-A. GRCh37 (hg19) VCF-style: chr17-57290206-G-A.
Other names: NC_000017.10:g.57290206G>A.
Identifiers: ClinVar variation 4424844 (VCV004424844.6).
Genomic context (GRCh38, chr17:59,212,845, plus strand): 5'-ACCAAGTACTCCAGATCCTGCTCCTGCTAAAAATGAATCCTCTCCTGCTCCTCCAGATTC[G>A]GATGCTGATAAACTTAAAGAAAAAGAACCTCAAACCCAAGGAGAGAGCACGAGCCTGAGT-3'
Protein context (NP_060619.4, residues 664-684): KNESSPAPPD[Ser674=]DADKLKEKEP

ClinVar aggregate classification (germline): Likely benign (1 of 4 stars; one submission).

gnomAD v4.1: 610 of 1,613,940 alleles (0.038%); highest among the groups gnomAD compares: African/African-American, 0.72%; 5 homozygotes.

Submissions (2):

CeGaT Center for Human Genetics Tuebingen
Classification: Likely benign. Last evaluated: 2026-06-01. Review status: criteria provided, single submitter. Criteria: CeGaT Center For Human Genetics Tuebingen Variant Classification Criteria Version 2. Collection method: clinical testing. Allele origin: germline. Affected: yes. Observed: 2 variant alleles.
Comment: SMG8: BP4, BP7

Dr. Peter K. Rogan Lab, Western University
No classification provided (evidence only). Condition: Cervical cancer. Review status: no classification provided. Collection method: in vitro. Allele origin: not applicable. Functional consequence: retained intron. Not counted in ClinVar's aggregate classification.